The following is an entry in ClinVar:

ClinVar aggregate classification (germline): Benign/Likely benign. Review status: criteria provided, multiple submitters, no conflicts (2 of 4 stars). 3 submissions from 3 submitters: Benign (2); Likely benign (1). Last evaluated 2025-01-29.

Conditions:
Inborn genetic diseases. Identifiers: MedGen C0950123, MeSH D030342.
Infantile-onset X-linked spinal muscular atrophy. Also called: Spinal muscular atrophy, X-linked 2; AMC, DISTAL, X-LINKED; ARTHROGRYPOSIS, X-LINKED, TYPE I; SPINAL MUSCULAR ATROPHY, X-LINKED LETHAL INFANTILE; Spinal Muscular Atrophy, X-Linked Infantile. Identifiers: Orphanet 1145, MedGen C1844934, MONDO:0010532, OMIM 301830.

Allele frequency attached by ClinVar (database versions not stated): gnomAD 0.00007 and 0.00009; TOPMed 0.00008; gnomAD exomes 0.00011 and 0.00023; ExAC 0.00024; 1000 Genomes Project 30x 0.00042; 1000 Genomes Project 0.00053.

Submissions (3):

Labcorp Genetics (formerly Invitae), Labcorp
Classification: Benign for Infantile-onset X-linked spinal muscular atrophy. Last evaluated: 2025-01-29. Review status: criteria provided, single submitter. Criteria: Invitae Variant Classification Sherloc (09022015). Collection method: clinical testing. Allele origin: germline.

Ambry Genetics
Classification: Likely benign for Inborn genetic diseases. Last evaluated: 2019-07-11. Review status: criteria provided, single submitter. Criteria: Ambry Variant Classification Scheme 2023. Collection method: clinical testing. Allele origin: germline.

Illumina Laboratory Services, Illumina
Classification: Benign for Infantile-onset X-linked spinal muscular atrophy. Last evaluated: 2018-01-12. Review status: criteria provided, single submitter. Criteria: ICSL Variant Classification Criteria 13 December 2019. Collection method: clinical testing. Allele origin: germline.
Comment: This variant was observed in the ICSL laboratory as part of a predisposition screen in an ostensibly healthy population. It had not been previously curated by ICSL or reported in the Human Gene Mutation Database (HGMD: prior to June 1st, 2018), and was therefore a candidate for classification through an automated scoring system. Utilizing variant allele frequency, disease prevalence and penetrance estimates, and inheritance mode, an automated score was calculated to assess if this variant is too frequent to cause the disease. Based on the score and internal cut-off values, a variant classified as benign is not then subjected to further curation. The score for this variant resulted in a classification of benign for this disease.

NM_003334.4(UBA1):c.720C>T (p.His240=)

Gene: UBA1 (ubiquitin like modifier activating enzyme 1; plus strand). Cytogenetic location: Xp11.3.
Variant type: single nucleotide variant.
Coding change: c.720C>T on transcript NM_003334.4 (MANE Select); coding-DNA position 720, C replaced by T.
Protein change: p.His240=; no amino-acid change (histidine 240 retained).
Molecular consequence: synonymous variant.
Genome position (GRCh38, 1-based): chrX:47,201,519, C>T. VCF-style: chrX-47201519-C-T. GRCh37 (hg19) VCF-style: chrX-47060918-C-T.
Other names: c.720C>T, p.His240= (NM_153280.3).
Identifiers: ClinVar variation 368330 (VCV000368330.14), dbSNP rs193168226, ClinGen allele CA10395742.